The following is an entry in ClinVar:

ClinVar aggregate classification (germline): Pathogenic (1 of 4 stars; one submission).

Conditions:
Hypertrophic cardiomyopathy 26. Also called: Cardiomyopathy, familial hypertrophic, 26. Identifiers: Orphanet 75249, MedGen C4310749, MONDO:0014883, OMIM 617047.
Myofibrillar myopathy 5. Also called: Filaminopathy (type); FILAMINOPATHY, AUTOSOMAL DOMINANT. Identifiers: Orphanet 171445, MedGen C1836050, MONDO:0012289, OMIM 609524.
Distal myopathy with posterior leg and anterior hand involvement. Also called: WILLIAMS DISTAL MYOPATHY. Identifiers: Orphanet 63273, MedGen C3279722, MONDO:0013550, OMIM 614065.

Submission:

Labcorp Genetics (formerly Invitae), Labcorp
Classification: Pathogenic for Distal myopathy with posterior leg and anterior hand involvement; Myofibrillar myopathy 5; Hypertrophic cardiomyopathy 26. Last evaluated: 2025-07-27. Review status: criteria provided, single submitter. Criteria: Invitae Variant Classification Sherloc (09022015). Collection method: clinical testing. Allele origin: germline.
Comment: This sequence change creates a premature translational stop signal (p.Leu133Serfs*4) in the FLNC gene. It is expected to result in an absent or disrupted protein product. Loss-of-function variants in FLNC are known to be pathogenic (PMID: 27908349). This variant is not present in population databases (gnomAD no frequency). This variant has not been reported in the literature in individuals affected with FLNC-related conditions. For these reasons, this variant has been classified as Pathogenic.

Literature cited by the submitters: PubMed 27908349.

NM_001458.5(FLNC):c.389_396dup (p.Leu133fs)

Gene: FLNC (filamin C; plus strand). Cytogenetic location: 7q32.1.
Variant type: Duplication.
Coding change: c.389_396dup on transcript NM_001458.5 (MANE Select); coding-DNA positions 389 to 396, 8 bases duplicated (TCCTGGGC; older notation c.389_396dupTCCTGGGC).
Protein change: p.Leu133fs; shifts the reading frame from leucine 133.
Molecular consequence: frameshift variant.
Genome position (GRCh38, 1-based): chr7:128,835,362-128,835,369, TCCTGGGC duplicated. VCF-style (leftmost placement, unchanged base first): chr7-128835361-A-ATCCTGGGC. GRCh37 (hg19) VCF-style: chr7-128475415-A-ATCCTGGGC.
Other names: c.389_396dup, p.Leu133fs (NM_001127487.2); short protein forms L133fs.
Identifiers: ClinVar variation 4812468 (VCV004812468.1).